The following is an entry in ClinVar:

NM_002778.4(PSAP):c.1278C>T (p.Asn426=)

Gene: PSAP (prosaposin; minus strand). Cytogenetic location: 10q22.1.
Variant type: single nucleotide variant.
Coding change: c.1278C>T on transcript NM_002778.4 (MANE Select); coding-DNA position 1278, C replaced by T.
Protein change: p.Asn426=; no amino-acid change (asparagine 426 retained).
Molecular consequence: synonymous variant.
Genome position (GRCh38, 1-based): chr10:71,819,537, G>A on the plus strand (C>T on the coding strand, the complement: PSAP is on the minus strand). VCF-style: chr10-71819537-G-A. GRCh37 (hg19) VCF-style: chr10-73579294-G-A.
Other names: c.1287C>T, p.Asn429= (NM_001042465.3); c.1284C>T, p.Asn428= (NM_001042466.3).
Identifiers: ClinVar variation 300511 (VCV000300511.18), dbSNP rs777227555, ClinGen allele CA5547413.

ClinVar aggregate classification (germline): Conflicting classifications of pathogenicity. Review status: criteria provided, conflicting classifications (1 of 4 stars). 7 submissions from 4 submitters: Uncertain significance (3); Benign (1); Likely benign (2). 1 of the submissions does not count toward it. Last evaluated 2025-12-06.

Conditions:
Combined PSAP deficiency (PSAPD). Also called: COMBINED SAP DEFICIENCY; PROSAPOSIN DEFICIENCY; Encephalopathy due to prosaposin deficiency. Identifiers: Orphanet 139406, MedGen C2673635, MONDO:0012719, OMIM 611721.
Gaucher disease due to saposin C deficiency. Also called: Atypical Gaucher disease due to saposin C deficiency; Saposin C Deficiency. Identifiers: Orphanet 309252, Orphanet 355, MedGen C1864651, MONDO:0012517, OMIM 610539.
Sphingolipid activator protein 1 deficiency. Also called: METACHROMATIC LEUKODYSTROPHY DUE TO CEREBROSIDE SULFATASE ACTIVATOR DEFICIENCY; Metachromatic leukodystrophy due to saposin B deficiency; Saposin B Deficiency. Identifiers: Orphanet 512, MedGen C0268262, MONDO:0009590, OMIM 249900.
Krabbe disease due to saposin A deficiency. Also called: KRABBE DISEASE, ATYPICAL, DUE TO SAPOSIN A DEFICIENCY; Saposin A Deficiency. Identifiers: Orphanet 487, MedGen C2673266, MONDO:0012720, OMIM 611722.
Metachromatic leukodystrophy (MLD). Also called: ARSA DEFICIENCY; CEREBROSIDE SULFATASE DEFICIENCY; METACHROMATIC LEUKOENCEPHALOPATHY; SULFATIDE LIPIDOSIS; Cerebral sclerosis diffuse metachromatic form; Arylsulfatase A Deficiency. Identifiers: Orphanet 512, MedGen C0023522, MONDO:0018868, OMIM 250100.

Allele frequency attached by ClinVar (database versions not stated): gnomAD below 0.00001 and 0.00003; ExAC 0.00003; gnomAD exomes 0.00004.
gnomAD v4.1: 30 of 1,614,204 alleles (0.0019%); highest among the groups gnomAD compares: South Asian, 0.023%; no homozygotes.

Submissions (7):

Labcorp Genetics (formerly Invitae), Labcorp
Classification: Likely benign for Sphingolipid activator protein 1 deficiency. Last evaluated: 2025-12-06. Review status: criteria provided, single submitter. Criteria: Invitae Variant Classification Sherloc (09022015). Collection method: clinical testing. Allele origin: germline.

Women's Health and Genetics/Laboratory Corporation of America, LabCorp
Classification: Likely benign. Last evaluated: 2023-08-04. Review status: criteria provided, single submitter. Criteria: LabCorp Variant Classification Summary - May 2015. Collection method: clinical testing. Allele origin: germline.

Illumina Laboratory Services, Illumina
Classification: Benign for Gaucher disease due to saposin C deficiency. Last evaluated: 2018-01-13. Review status: criteria provided, single submitter. Criteria: ICSL Variant Classification Criteria 13 December 2019. Collection method: clinical testing. Allele origin: germline.
Comment: This variant was observed in the ICSL laboratory as part of a predisposition screen in an ostensibly healthy population. It had not been previously curated by ICSL or reported in the Human Gene Mutation Database (HGMD: prior to June 1st, 2018), and was therefore a candidate for classification through an automated scoring system. Utilizing variant allele frequency, disease prevalence and penetrance estimates, and inheritance mode, an automated score was calculated to assess if this variant is too frequent to cause the disease. Based on the score and internal cut-off values, a variant classified as benign is not then subjected to further curation. The score for this variant resulted in a classification of benign for this disease.

Illumina Laboratory Services, Illumina
Classification: Uncertain significance for Combined PSAP deficiency. Last evaluated: 2018-01-13. Review status: criteria provided, single submitter. Criteria: ICSL Variant Classification Criteria 13 December 2019. Collection method: clinical testing. Allele origin: germline.

Illumina Laboratory Services, Illumina
Classification: Uncertain significance for Krabbe disease due to saposin A deficiency. Last evaluated: 2018-01-13. Review status: criteria provided, single submitter. Criteria: ICSL Variant Classification Criteria 13 December 2019. Collection method: clinical testing. Allele origin: germline.

Illumina Laboratory Services, Illumina
Classification: Uncertain significance for Sphingolipid activator protein 1 deficiency. Last evaluated: 2018-01-13. Review status: criteria provided, single submitter. Criteria: ICSL Variant Classification Criteria 13 December 2019. Collection method: clinical testing. Allele origin: germline.

Natera, Inc.
Classification: Uncertain significance for Metachromatic leukodystrophy. Last evaluated: 2020-01-24. Review status: no assertion criteria provided. Collection method: clinical testing. Allele origin: germline. Not counted in ClinVar's aggregate classification.